The following is an entry in ClinVar:

NM_133261.3(GIPC3):c.592G>A (p.Asp198Asn)

Gene: GIPC3 (GIPC PDZ domain containing family member 3; plus strand). Cytogenetic location: 19p13.3.
Variant type: single nucleotide variant.
Coding change: c.592G>A on transcript NM_133261.3 (MANE Select); coding-DNA position 592, G replaced by A.
Protein change: p.Asp198Asn; replaces aspartic acid 198 with asparagine.
Molecular consequence: missense variant.
Genome position (GRCh38, 1-based): chr19:3,586,994, G>A. VCF-style: chr19-3586994-G-A. GRCh37 (hg19) VCF-style: chr19-3586992-G-A.
Other names: short protein forms D198N.
Identifiers: ClinVar variation 1306048 (VCV001306048.2), dbSNP rs1320335674, ClinGen allele CA403362829.
Genomic context (GRCh38, chr19:3,586,994, plus strand): 5'-CGGGAGCTGCCCAAGTCCCAGCCCTTCACCCTGCGCCTGGTGCAGCCCAAGAGGGCCTTC[G>A]GTGAGGCGGGTGGGCTGGCGGGAGCTCTTCCCGAAGTGCGTTCTACGGATGCCTGGGGTG-3'
Protein context (NP_573568.1, residues 188-208): LRLVQPKRAF[Asp198Asn]MIGQRSRSSK

ClinVar aggregate classification (germline): Uncertain significance (1 of 4 stars; one submission).

gnomAD v4.1: 2 of 1,611,334 alleles (0.00012%); highest among the groups gnomAD compares: Non-Finnish European, 0.00017%; no homozygotes.

Submission:

GeneDx
Classification: Uncertain significance. Last evaluated: 2019-02-26. Review status: criteria provided, single submitter. Criteria: GeneDx Variant Classification Process June 2021. Collection method: clinical testing. Allele origin: germline. Affected: yes.
Comment: Not observed in large population cohorts (Lek et al., 2016); Has not been previously published as pathogenic or benign to our knowledge; In addition, in silico predictors and evolutionary conservation suggest the missense change may have a deleterious effect on the protein